The following is an entry in ClinVar:

NM_001040694.2(INCENP):c.1064-5C>G

Gene: INCENP (inner centromere protein; plus strand). Cytogenetic location: 11q12.3.
Variant type: single nucleotide variant.
Coding change: c.1064-5C>G on transcript NM_001040694.2 (MANE Select); 5 bases into the intron before coding-DNA position 1064, C replaced by G.
Molecular consequence: intron variant.
Genome position (GRCh38, 1-based): chr11:62,137,827, C>G. VCF-style: chr11-62137827-C-G. GRCh37 (hg19) VCF-style: chr11-61905299-C-G.
Other names: c.1064-5C>G (NM_020238.3).
Identifiers: ClinVar variation 2641842 (VCV002641842.24), dbSNP rs2541553517, ClinGen allele CA2574846472.
Genomic context (GRCh38, chr11:62,137,827, plus strand): 5'-ACCCCTTAGAGTGGGACCTGTGTGGTCTCTGATGAGATCTTTTGTGCCTTTCTTTTCCCC[C>G]TCAGGTCACAGTTACCTGGAGAGGCTCCTGAATGTTGAGGTGCCCCAGAAAGTTGGGTGA-3'

ClinVar aggregate classification (germline): Uncertain significance (1 of 4 stars; one submission).

Submission:

CeGaT Center for Human Genetics Tuebingen
Classification: Uncertain significance. Last evaluated: 2023-08-01. Review status: criteria provided, single submitter. Criteria: CeGaT Center For Human Genetics Tuebingen Variant Classification Criteria Version 2. Collection method: clinical testing. Allele origin: germline. Affected: yes. Observed: 1 variant allele.
Comment: INCENP: PM2, BP4